The following is an entry in ClinVar:

ClinVar aggregate classification (germline): Uncertain significance. Review status: criteria provided, multiple submitters, no conflicts (2 of 4 stars). 2 submissions from 2 submitters: Uncertain significance (2). Last evaluated 2025-10-29.

Conditions:
Inborn genetic diseases. Identifiers: MedGen C0950123, MeSH D030342.

Allele frequency attached by ClinVar (database versions not stated): gnomAD exomes below 0.00001 and 0.00001; TOPMed 0.00001.
gnomAD v4.1: 4 of 1,613,896 alleles (0.00025%); highest among the groups gnomAD compares: Admixed American, 0.005%; no homozygotes.

Submissions (2):

Ambry Genetics
Classification: Uncertain significance for Inborn genetic diseases. Last evaluated: 2025-10-29. Review status: criteria provided, single submitter. Criteria: Ambry Variant Classification Scheme 2023. Collection method: clinical testing. Allele origin: germline.

Labcorp Genetics (formerly Invitae), Labcorp
Classification: Uncertain significance. Last evaluated: 2022-07-15. Review status: criteria provided, single submitter. Criteria: Invitae Variant Classification Sherloc (09022015). Collection method: clinical testing. Allele origin: germline.
Comment: In summary, the available evidence is currently insufficient to determine the role of this variant in disease. Therefore, it has been classified as a Variant of Uncertain Significance. Algorithms developed to predict the effect of missense changes on protein structure and function output the following: SIFT: "Tolerated"; PolyPhen-2: "Benign"; Align-GVGD: "Class C0". The glycine amino acid residue is found in multiple mammalian species, which suggests that this missense change does not adversely affect protein function. ClinVar contains an entry for this variant (Variation ID: 1467816). This variant has not been reported in the literature in individuals affected with HK1-related conditions. This variant is present in population databases (no rsID available, gnomAD 0.009%). This sequence change replaces glutamic acid, which is acidic and polar, with glycine, which is neutral and non-polar, at codon 914 of the HK1 protein (p.Glu914Gly).

NM_000188.3(HK1):c.2741A>G (p.Glu914Gly)

Gene: HK1 (hexokinase 1; plus strand). Cytogenetic location: 10q22.1.
Variant type: single nucleotide variant.
Coding change: c.2741A>G on transcript NM_000188.3 (MANE Select); coding-DNA position 2741, A replaced by G.
Protein change: p.Glu914Gly; replaces glutamic acid 914 with glycine.
Molecular consequence: missense variant.
Genome position (GRCh38, 1-based): chr10:69,401,122, A>G. VCF-style: chr10-69401122-A-G. GRCh37 (hg19) VCF-style: chr10-71160878-A-G.
Other names: c.2753A>G, p.Glu918Gly (NM_001322364.2, NM_001358263.1, NM_033497.3 and 1 more transcripts); c.2846A>G, p.Glu949Gly (NM_001322365.2); c.2657A>G, p.Glu886Gly (NM_001322366.1); c.2645A>G, p.Glu882Gly (NM_001322367.1); c.2738A>G, p.Glu913Gly (NM_033496.3); c.2705A>G, p.Glu902Gly (NM_033500.2); c.2741A>G (NM_000188.2); short protein forms E882G, E902G, E914G, E886G, E913G, E918G, E949G.
Identifiers: ClinVar variation 1467816 (VCV001467816.7), dbSNP rs953703416, ClinGen allele CA209221054.